The following is an entry in ClinVar:

NM_002485.5(NBN):c.1300A>C (p.Thr434Pro)

Gene: NBN (nibrin; minus strand). Cytogenetic location: 8q21.3.
Variant type: single nucleotide variant.
Coding change: c.1300A>C on transcript NM_002485.5 (MANE Select); coding-DNA position 1300, A replaced by C.
Protein change: p.Thr434Pro; replaces threonine 434 with proline.
Molecular consequence: missense variant.
Genome position (GRCh38, 1-based): chr8:89,955,380, T>G on the plus strand (A>C on the coding strand, the complement: NBN is on the minus strand). VCF-style: chr8-89955380-T-G. GRCh37 (hg19) VCF-style: chr8-90967608-T-G.
Other names: c.1054A>C, p.Thr352Pro (NM_001024688.3); short protein forms T352P, T434P.
Identifiers: ClinVar variation 2859401 (VCV002859401.3), dbSNP rs977871677, ClinGen allele CA371656164.
Genomic context (GRCh38, chr8:89,955,380, plus strand): 5'-AGTTGGTCTGCTGCTGCTGAGAAGCCCTATCTTTACTTTTATTTATACTTGGCAATTTAG[T>G]TGGTGAAAGCTGATAGTTTGGGATTCTCATCTTAGCCAAAGTATTTGATACCATACTATT-3'
Protein context (NP_002476.2, residues 424-444): MRIPNYQLSP[Thr434Pro]KLPSINKSKD

ClinVar aggregate classification (germline): Uncertain significance (1 of 4 stars; one submission).

Conditions:
Microcephaly, normal intelligence and immunodeficiency (NBS). Also called: Nijmegen breakage syndrome; Microcephaly with normal intelligence immunodeficiency and lymphoreticular malignancies; Nonsyndromal microcephaly autosomal recessive with normal intelligence; Seemanova syndrome 2; Ataxia telangiectasia variant V1; BERLIN BREAKAGE SYNDROME. Identifiers: Orphanet 647, MedGen C0398791, MONDO:0009623, OMIM 251260.

Submission:

Labcorp Genetics (formerly Invitae), Labcorp
Classification: Uncertain significance for Microcephaly, normal intelligence and immunodeficiency. Last evaluated: 2023-04-26. Review status: criteria provided, single submitter. Criteria: Invitae Variant Classification Sherloc (09022015). Collection method: clinical testing. Allele origin: germline.
Comment: This sequence change replaces threonine, which is neutral and polar, with proline, which is neutral and non-polar, at codon 434 of the NBN protein (p.Thr434Pro). This variant is not present in population databases (gnomAD no frequency). In summary, the available evidence is currently insufficient to determine the role of this variant in disease. Therefore, it has been classified as a Variant of Uncertain Significance. Algorithms developed to predict the effect of missense changes on protein structure and function output the following: SIFT: "Not Available"; PolyPhen-2: "Benign"; Align-GVGD: "Not Available". The proline amino acid residue is found in multiple mammalian species, which suggests that this missense change does not adversely affect protein function. This variant has not been reported in the literature in individuals affected with NBN-related conditions.